The following is an entry in ClinVar:

NM_001130823.3(DNMT1):c.3489C>A (p.Gly1163=)

Gene: DNMT1 (DNA methyltransferase 1; minus strand). Cytogenetic location: 19p13.2.
Variant type: single nucleotide variant.
Coding change: c.3489C>A on transcript NM_001130823.3 (MANE Select); coding-DNA position 3489, C replaced by A.
Protein change: p.Gly1163=; no amino-acid change (glycine 1163 retained).
Molecular consequence: synonymous variant.
Genome position (GRCh38, 1-based): chr19:10,140,815, G>T on the plus strand (C>A on the coding strand, the complement: DNMT1 is on the minus strand). VCF-style: chr19-10140815-G-T. GRCh37 (hg19) VCF-style: chr19-10251491-G-T.
Other names: c.3489C>A (NM_001130823.2); c.3441C>A, p.Gly1147= (NM_001318730.2, NM_001379.4); c.3126C>A, p.Gly1042= (NM_001318731.2).
Identifiers: ClinVar variation 1148848 (VCV001148848.11), dbSNP rs751346556, ClinGen allele CA9187742.

ClinVar aggregate classification (germline): Likely benign. Review status: criteria provided, multiple submitters, no conflicts (2 of 4 stars). 3 submissions from 3 submitters: Likely benign (3). Last evaluated 2025-12-22.

Conditions:
DNMT1-related disorder. Also called: DNMT1-related condition. Identifiers: MedGen CN381527.
Hereditary sensory neuropathy-deafness-dementia syndrome. Also called: Hereditary sensory neuropathy type IE; HSN IE; NEUROPATHY, HEREDITARY SENSORY, WITH HEARING LOSS AND DEMENTIA; Hereditary Sensory and Autonomic Neuropathy Type 1E (HSAN1E). Identifiers: Orphanet 456318, MedGen C3279885, MONDO:0013584, OMIM 614116.

Allele frequency attached by ClinVar (database versions not stated): ExAC 0.00001; gnomAD exomes 0.00001; gnomAD 0.00003.
gnomAD v4.1: 18 of 1,614,042 alleles (0.0011%); highest among the groups gnomAD compares: Non-Finnish European, 0.0015%; no homozygotes.

Submissions (3):

PreventionGenetics, part of Exact Sciences
Classification: Likely benign for DNMT1-related condition. Last evaluated: 2025-12-22. Review status: criteria provided, single submitter. Criteria: ACMG Guidelines, 2015. Collection method: clinical testing. Allele origin: germline.
Comment: This variant is classified as likely benign based on ACMG/AMP sequence variant interpretation guidelines (Richards et al. 2015 PMID: 25741868, with internal and published modifications).

Women's Health and Genetics/Laboratory Corporation of America, LabCorp
Classification: Likely benign. Last evaluated: 2025-09-30. Review status: criteria provided, single submitter. Criteria: LabCorp Variant Classification Summary - May 2015. Collection method: clinical testing. Allele origin: germline.

Labcorp Genetics (formerly Invitae), Labcorp
Classification: Likely benign for Hereditary sensory neuropathy-deafness-dementia syndrome. Last evaluated: 2025-07-30. Review status: criteria provided, single submitter. Criteria: Invitae Variant Classification Sherloc (09022015). Collection method: clinical testing. Allele origin: germline.